The following is an entry in ClinVar:

NM_006208.3(ENPP1):c.2252G>A (p.Gly751Glu)

Gene: ENPP1 (ectonucleotide pyrophosphatase/phosphodiesterase 1; plus strand). Cytogenetic location: 6q23.2.
Variant type: single nucleotide variant.
Coding change: c.2252G>A on transcript NM_006208.3 (MANE Select); coding-DNA position 2252, G replaced by A.
Protein change: p.Gly751Glu; replaces glycine 751 with glutamic acid.
Molecular consequence: missense variant.
Genome position (GRCh38, 1-based): chr6:131,883,715, G>A. VCF-style: chr6-131883715-G-A. GRCh37 (hg19) VCF-style: chr6-132204855-G-A.
Other names: short protein forms G751E.
Identifiers: ClinVar variation 1442096 (VCV001442096.11), dbSNP rs1195604374, ClinGen allele CA365654843.

ClinVar aggregate classification (germline): Conflicting classifications of pathogenicity. Review status: criteria provided, conflicting classifications (1 of 4 stars). 3 submissions from 3 submitters: Uncertain significance (2); Likely benign (1). Last evaluated 2025-10-11.

Conditions:
Arterial calcification, generalized, of infancy, 1 (GACI1). Also called: Idiopathic Infantile Arterial Calcification. Identifiers: Orphanet 51608, MedGen C4551985, MONDO:0008817, OMIM 208000.
Inherited obesity. Also called: Monogenic Obesity. Identifiers: Orphanet 77828, MedGen C4054476, MONDO:0019182, OMIM 601665.
Hypophosphatemic rickets, autosomal recessive, 2 (ARHR2). Identifiers: Orphanet 289176, MedGen C2750078, MONDO:0013219, OMIM 613312.
Type 2 diabetes mellitus. Also called: Type II diabetes mellitus. Identifiers: MedGen C0011860, MeSH D003924, MONDO:0005148, OMIM 125853, HP:0005978.
Hypopigmentation-punctate palmoplantar keratoderma syndrome. Also called: Cole disease; GUTTATE HYPOPIGMENTATION AND PUNCTATE PALMOPLANTAR KERATODERMA WITH OR WITHOUT ECTOPIC CALCIFICATION. Identifiers: Orphanet 324561, MedGen C3809781, MONDO:0014227, OMIM 615522.

Allele frequency attached by ClinVar (database versions not stated): TOPMed 0.00001.
gnomAD v4.1: 7 of 1,502,486 alleles (0.00047%); highest among the groups gnomAD compares: Non-Finnish European, 0.00065%; no homozygotes.

Submissions (3):

Labcorp Genetics (formerly Invitae), Labcorp
Classification: Uncertain significance. Last evaluated: 2025-10-11. Review status: criteria provided, single submitter. Criteria: Invitae Variant Classification Sherloc (09022015). Collection method: clinical testing. Allele origin: germline.
Comment: This sequence change replaces glycine, which is neutral and non-polar, with glutamic acid, which is acidic and polar, at codon 751 of the ENPP1 protein (p.Gly751Glu). This variant is not present in population databases (gnomAD no frequency). This variant has not been reported in the literature in individuals affected with ENPP1-related conditions. ClinVar contains an entry for this variant (Variation ID: 1442096). Invitae Evidence Modeling of protein sequence and biophysical properties (such as structural, functional, and spatial information, amino acid conservation, physicochemical variation, residue mobility, and thermodynamic stability) indicates that this missense variant is not expected to disrupt ENPP1 protein function with a negative predictive value of 80%. In summary, the available evidence is currently insufficient to determine the role of this variant in disease. Therefore, it has been classified as a Variant of Uncertain Significance.

Fulgent Genetics
Classification: Uncertain significance for Type 2 diabetes mellitus; Arterial calcification, generalized, of infancy, 1; Inherited obesity; Hypophosphatemic rickets, autosomal recessive, 2; Hypopigmentation-punctate palmoplantar keratoderma syndrome. Last evaluated: 2024-03-19. Review status: criteria provided, single submitter. Criteria: ACMG Guidelines, 2015. Collection method: clinical testing. Allele origin: germline.

Blueprint Genetics
Classification: Likely benign. Last evaluated: 2020-04-27. Review status: criteria provided, single submitter. Criteria: ACMG Guidelines, 2015. Collection method: clinical testing. Allele origin: germline.